The following is an entry in ClinVar:

NM_017780.4(CHD7):c.2734C>G (p.Pro912Ala)

Gene: CHD7 (chromodomain helicase DNA binding protein 7; plus strand). Cytogenetic location: 8q12.2.
Variant type: single nucleotide variant.
Coding change: c.2734C>G on transcript NM_017780.4 (MANE Select); coding-DNA position 2734, C replaced by G.
Protein change: p.Pro912Ala; replaces proline 912 with alanine.
Molecular consequence: missense variant. On other transcripts: intron variant (1).
Genome position (GRCh38, 1-based): chr8:60,821,826, C>G. VCF-style: chr8-60821826-C-G. GRCh37 (hg19) VCF-style: chr8-61734385-C-G.
Other names: c.1717-40403C>G (NM_001316690.1); short protein forms P912A.
Identifiers: ClinVar variation 4002165 (VCV004002165.1).
Genomic context (GRCh38, chr8:60,821,826, plus strand): 5'-CTGATTTATTTAAATCTGGTCCAGCCTGTGACTCACTATCTGGTGAAGTGGTGTTCACTT[C>G]CTTATGAAGACAGCACGTGGGAGCGGAGGCAGGACATAGATCAAGCAAAGATCGAGGAGT-3'
Protein context (NP_060250.2, residues 902-922): THYLVKWCSL[Pro912Ala]YEDSTWERRQ

ClinVar aggregate classification (germline): Uncertain significance (1 of 4 stars; one submission).

Conditions:
Inborn genetic diseases. Identifiers: MedGen C0950123, MeSH D030342.

gnomAD v4.1: 1 of 1,573,422 alleles (0.000064%); highest among the groups gnomAD compares: Admixed American, 0.0019%; no homozygotes.

Submission:

Ambry Genetics
Classification: Uncertain significance for Inborn genetic diseases. Last evaluated: 2025-05-02. Review status: criteria provided, single submitter. Criteria: Ambry Variant Classification Scheme 2023. Collection method: clinical testing. Allele origin: germline.
Comment: The p.P912A variant (also known as c.2734C>G), located in coding exon 9 of the CHD7 gene, results from a C to G substitution at nucleotide position 2734. The proline at codon 912 is replaced by alanine, an amino acid with highly similar properties. This amino acid position is conserved. In addition, the in silico prediction for this alteration is inconclusive. Based on the available evidence, the clinical significance of this variant remains unclear.